The following is an entry in ClinVar:

ClinVar aggregate classification (germline): Uncertain significance (1 of 4 stars; one submission).

Submission:

Ambry Genetics
Classification: Uncertain significance. Last evaluated: 2025-01-09. Review status: criteria provided, single submitter. Criteria: Ambry Variant Classification Scheme 2023. Collection method: clinical testing. Allele origin: germline.
Comment: The p.Q418L variant (also known as c.1253A>T), located in coding exon 6 of the GFI1 gene, results from an A to T substitution at nucleotide position 1253. The glutamine at codon 418 is replaced by leucine, an amino acid with dissimilar properties. This amino acid position is conserved. In addition, this alteration is predicted to be tolerated by in silico analysis. Based on the available evidence, the clinical significance of this variant remains unclear.

NM_005263.5(GFI1):c.1253A>T (p.Gln418Leu)

Gene: GFI1 (growth factor independent 1 transcriptional repressor; minus strand). Cytogenetic location: 1p22.1.
Variant type: single nucleotide variant.
Coding change: c.1253A>T on transcript NM_005263.5 (MANE Select); coding-DNA position 1253, A replaced by T.
Protein change: p.Gln418Leu; replaces glutamine 418 with leucine.
Molecular consequence: missense variant.
Genome position (GRCh38, 1-based): chr1:92,476,045, T>A on the plus strand (A>T on the coding strand, the complement: GFI1 is on the minus strand). VCF-style: chr1-92476045-T-A. GRCh37 (hg19) VCF-style: chr1-92941602-T-A.
Other names: c.1253A>T, p.Gln418Leu (NM_001127215.3, NM_001127216.3); short protein forms Q418L.
Identifiers: ClinVar variation 3853678 (VCV003853678.1).